The following is an entry in ClinVar:

NM_000037.4(ANK1):c.1592G>T (p.Cys531Phe)

Gene: ANK1 (ankyrin 1; minus strand). Cytogenetic location: 8p11.21.
Variant type: single nucleotide variant.
Coding change: c.1592G>T on transcript NM_000037.4 (MANE Select); coding-DNA position 1592, G replaced by T.
Protein change: p.Cys531Phe; replaces cysteine 531 with phenylalanine.
Molecular consequence: missense variant.
Genome position (GRCh38, 1-based): chr8:41,715,662, C>A on the plus strand (G>T on the coding strand, the complement: ANK1 is on the minus strand). VCF-style: chr8-41715662-C-A. GRCh37 (hg19) VCF-style: chr8-41573180-C-A.
Other names: p.Cys531Phe; c.1592G>T, p.Cys531Phe (NM_020477.3, NM_020476.3, NM_020475.3); c.1691G>T, p.Cys564Phe (NM_001142446.2); short protein forms C531F, C564F.
Identifiers: ClinVar variation 1693985 (VCV001693985.5), dbSNP rs1462634026, ClinGen allele CA371069933.

ClinVar aggregate classification (germline): Uncertain significance. Review status: criteria provided, multiple submitters, no conflicts (2 of 4 stars). 2 submissions from 2 submitters: Uncertain significance (2). Last evaluated 2025-10-31.

Allele frequency attached by ClinVar (database versions not stated): TOPMed below 0.00001; gnomAD exomes below 0.00001.
gnomAD v4.1: 7 of 1,613,380 alleles (0.00043%); highest among the groups gnomAD compares: South Asian, 0.0011%; no homozygotes.

Submissions (2):

Labcorp Genetics (formerly Invitae), Labcorp
Classification: Uncertain significance. Last evaluated: 2025-10-31. Review status: criteria provided, single submitter. Criteria: Invitae Variant Classification Sherloc (09022015). Collection method: clinical testing. Allele origin: germline.
Comment: This sequence change replaces cysteine, which is neutral and slightly polar, with phenylalanine, which is neutral and non-polar, at codon 531 of the ANK1 protein (p.Cys531Phe). This variant is present in population databases (no rsID available, gnomAD 0.0009%). This variant has not been reported in the literature in individuals affected with ANK1-related conditions. ClinVar contains an entry for this variant (Variation ID: 1693985). Invitae Evidence Modeling of protein sequence and biophysical properties (such as structural, functional, and spatial information, amino acid conservation, physicochemical variation, residue mobility, and thermodynamic stability) indicates that this missense variant is not expected to disrupt ANK1 protein function with a negative predictive value of 80%. In summary, the available evidence is currently insufficient to determine the role of this variant in disease. Therefore, it has been classified as a Variant of Uncertain Significance.

Mayo Clinic Laboratories, Mayo Clinic
Classification: Uncertain significance. Last evaluated: 2022-01-11. Review status: criteria provided, single submitter. Criteria: ACMG Guidelines, 2015. Collection method: clinical testing. Allele origin: germline.